The following is an entry in ClinVar:

NM_020975.6(RET):c.2183A>G (p.Lys728Arg)

Gene: RET (ret proto-oncogene; plus strand). Cytogenetic location: 10q11.21.
Variant type: single nucleotide variant.
Coding change: c.2183A>G on transcript NM_020975.6 (MANE Select); coding-DNA position 2183, A replaced by G.
Protein change: p.Lys728Arg; replaces lysine 728 with arginine.
Molecular consequence: missense variant.
Genome position (GRCh38, 1-based): chr10:43,116,630, A>G. VCF-style: chr10-43116630-A-G. GRCh37 (hg19) VCF-style: chr10-43612078-A-G.
Other names: c.1919A>G, p.Lys640Arg (NM_001406768.1); c.1787A>G, p.Lys596Arg (NM_001406769.1, NM_001406772.1); c.1895A>G, p.Lys632Arg (NM_001406770.1, NM_001406766.1, NM_001406767.1); c.1745A>G, p.Lys582Arg (NM_001406771.1, NM_001406773.1); c.1658A>G, p.Lys553Arg (NM_001406774.1); c.1457A>G, p.Lys486Arg (NM_001406775.1, NM_001406776.1, NM_001406777.1 and 1 more transcripts); c.1286A>G, p.Lys429Arg (NM_001406779.1, NM_001406780.1, NM_001406781.1 and 1 more transcripts); c.1157A>G, p.Lys386Arg (NM_001406783.1, NM_001406786.1); and 10 more; short protein forms K728R, K474R, K245R, K386R, K632R, K683R, K293R, K384R.
Identifiers: ClinVar variation 645752 (VCV000645752.12), dbSNP rs1042740895, ClinGen allele CA206263712.
Genomic context (GRCh38, chr10:43,116,630, plus strand): 5'-CATTTCCAACATAGGAGGATCCAAAGTGGGAATTCCCTCGGAAGAACTTGGTTCTTGGAA[A>G]AACTCTAGGAGAAGGCGAATTTGGAAAAGTGGTCAAGGCAACGGCCTTCCATCTGAAAGG-3'
Protein context (NP_066124.1, residues 718-738): EFPRKNLVLG[Lys728Arg]TLGEGEFGKV

ClinVar aggregate classification (germline): Uncertain significance. Review status: criteria provided, multiple submitters, no conflicts (2 of 4 stars). 2 submissions from 2 submitters: Uncertain significance (2). Last evaluated 2026-01-27.

Conditions:
Hereditary cancer-predisposing syndrome. Also called: Hereditary Cancer Syndrome; Tumor predisposition; Hereditary neoplastic syndrome; Neoplastic Syndromes, Hereditary. Identifiers: Orphanet 140162, MedGen C0027672, MeSH D009386, MONDO:0015356.
Multiple endocrine neoplasia, type 2 (MEN2). Identifiers: Orphanet 653, MedGen C4048306, MONDO:0019003. Disease mechanism: gain of function.

Allele frequency attached by ClinVar (database versions not stated): gnomAD exomes below 0.00001; TOPMed 0.00001.
gnomAD v4.1: 4 of 1,614,244 alleles (0.00025%); highest among the groups gnomAD compares: African/African-American, 0.0027%; no homozygotes.

Submissions (2):

Labcorp Genetics (formerly Invitae), Labcorp
Classification: Uncertain significance for Multiple endocrine neoplasia, type 2. Last evaluated: 2026-01-27. Review status: criteria provided, single submitter. Criteria: Invitae Variant Classification Sherloc (09022015). Collection method: clinical testing. Allele origin: germline.
Comment: This sequence change replaces lysine, which is basic and polar, with arginine, which is basic and polar, at codon 728 of the RET protein (p.Lys728Arg). This variant is not present in population databases (gnomAD no frequency). This variant has not been reported in the literature in individuals affected with RET-related conditions. ClinVar contains an entry for this variant (Variation ID: 645752). An algorithm developed to predict the effect of missense changes on protein structure and function (PolyPhen-2) suggests that this variant is likely to be disruptive. In summary, the available evidence is currently insufficient to determine the role of this variant in disease. Therefore, it has been classified as a Variant of Uncertain Significance.

Ambry Genetics
Classification: Uncertain significance for Hereditary cancer-predisposing syndrome. Last evaluated: 2025-03-26. Review status: criteria provided, single submitter. Criteria: Ambry Variant Classification Scheme 2023. Collection method: clinical testing. Allele origin: germline.
Comment: The p.K728R variant (also known as c.2183A>G), located in coding exon 12 of the RET gene, results from an A to G substitution at nucleotide position 2183. The lysine at codon 728 is replaced by arginine, an amino acid with highly similar properties. This amino acid position is conserved. In addition, this alteration is predicted to be deleterious by in silico analysis. Based on the available evidence, the clinical significance of this variant remains unclear.